The following is an entry in ClinVar:

NM_001388367.1(NBPF9):c.2025T>C (p.Asp675=)

Gene: NBPF9 (NBPF member 9; minus strand). Cytogenetic location: 1q21.2.
Variant type: single nucleotide variant.
Coding change: c.2025T>C on transcript NM_001388367.1 (MANE Select); coding-DNA position 2025, T replaced by C.
Protein change: p.Asp675=; no amino-acid change (aspartic acid 675 retained).
Molecular consequence: synonymous variant.
Genome position (GRCh38, 1-based): chr1:149,063,634, A>G on the plus strand (T>C on the coding strand, the complement: NBPF9 is on the minus strand). VCF-style: chr1-149063634-A-G. GRCh37 (hg19) VCF-style: chr1-144823984-T-C.
Other names: c.2025T>C, p.Asp675= (NM_001037675.4, NM_001277444.2, NM_001388366.1 and 15 more transcripts); c.1914T>C, p.Asp638= (NM_001388371.1).
Identifiers: ClinVar variation 2639065 (VCV002639065.24), dbSNP rs782511630, ClinGen allele CA889051504.
Genomic context (GRCh38, chr1:149,063,634, plus strand): 5'-ATATGACCCTAACCAGAAGACTCAGTGGATCCTTATCACCTTCATAGAAAGGTACTCACC[A>G]TCCATGTCAACAGCCAAGCCAACACGCTGTTGCTCCAATACGTAAAAGGCACTTCTGTAG-3'
Protein context (NP_001375296.1, residues 665-685): QQRVGLAVDM[Asp675=]EIEKYQEVEE

ClinVar aggregate classification (germline): Likely benign (1 of 4 stars; one submission).

Allele frequency attached by ClinVar (database versions not stated): 1000 Genomes Project 30x 0.00094; ExAC 0.00138; gnomAD 0.00377; gnomAD exomes 0.00403.
gnomAD v4.1: 2,463 of 612,430 alleles (0.4%); highest among the groups gnomAD compares: Non-Finnish European, 0.55%; 5 homozygotes.

Submission:

CeGaT Center for Human Genetics Tuebingen
Classification: Likely benign. Last evaluated: 2026-05-01. Review status: criteria provided, single submitter. Criteria: CeGaT Center For Human Genetics Tuebingen Variant Classification Criteria Version 2. Collection method: clinical testing. Allele origin: germline. Affected: yes. Observed: 6 variant alleles.
Comment: NBPF9: PM2:Supporting, BP4, BP7